The following is an entry in ClinVar:

NM_020884.7(MYH7B):c.1631C>T (p.Pro544Leu)

Gene: MYH7B (myosin heavy chain 7B; plus strand). Cytogenetic location: 20q11.22.
Variant type: single nucleotide variant.
Coding change: c.1631C>T on transcript NM_020884.7 (MANE Select); coding-DNA position 1631, C replaced by T.
Protein change: p.Pro544Leu; replaces proline 544 with leucine.
Molecular consequence: missense variant.
Genome position (GRCh38, 1-based): chr20:34,989,783, C>T. VCF-style: chr20-34989783-C-T. GRCh37 (hg19) VCF-style: chr20-33577586-C-T.
Other names: short protein forms P544L.
Identifiers: ClinVar variation 450494 (VCV000450494.4), dbSNP rs1555894731, ClinGen allele CA408703033.

ClinVar aggregate classification (germline): Uncertain significance. Review status: criteria provided, multiple submitters, no conflicts (2 of 4 stars). 2 submissions from 2 submitters: Uncertain significance (2). Last evaluated 2025-01-24.

Allele frequency attached by ClinVar (database versions not stated): gnomAD exomes below 0.00001; gnomAD 0.00001.
gnomAD v4.1: 8 of 1,614,020 alleles (0.0005%); highest among the groups gnomAD compares: African/African-American, 0.0013%; no homozygotes.

Submissions (2):

Ambry Genetics
Classification: Uncertain significance. Last evaluated: 2025-01-24. Review status: criteria provided, single submitter. Criteria: Ambry Variant Classification Scheme 2023. Collection method: clinical testing. Allele origin: germline.

GeneDx
Classification: Uncertain significance. Last evaluated: 2017-07-21. Review status: criteria provided, single submitter. Criteria: GeneDx Variant Classification (06012015). Collection method: clinical testing. Allele origin: germline. Affected: yes.
Comment: The P586L variant in the MYH7B gene has not been reported previously as a pathogenic variant, nor as a benign variant, to our knowledge. The P586L variant is not observed in large population cohorts (Lek et al., 2016; 1000 Genomes Consortium et al., 2015; Exome Variant Server). The P586L variant is a semi-conservative amino acid substitution, which may impact secondary protein structure as these residues differ in some properties. This substitution occurs at a position that is conserved across species. In silico analysis predicts this variant is probably damaging to the protein structure/function. We interpret P586L as a variant of uncertain significance.